The following is an entry in ClinVar:

ClinVar aggregate classification (germline): Likely pathogenic (1 of 4 stars; one submission).

Submission:

Labcorp Genetics (formerly Invitae), Labcorp
Classification: Likely pathogenic. Last evaluated: 2023-08-31. Review status: criteria provided, single submitter. Criteria: Invitae Variant Classification Sherloc (09022015). Collection method: clinical testing. Allele origin: germline.
Comment: This sequence change affects an acceptor splice site in intron 20 of the SLC12A6 gene. It is expected to disrupt RNA splicing. Variants that disrupt the donor or acceptor splice site typically lead to a loss of protein function (PMID: 16199547), and loss-of-function variants in SLC12A6 are known to be pathogenic (PMID: 12368912, 16606917). This variant is not present in population databases (gnomAD no frequency). This variant has not been reported in the literature in individuals affected with SLC12A6-related conditions. Algorithms developed to predict the effect of sequence changes on RNA splicing suggest that this variant may disrupt the consensus splice site. In summary, the currently available evidence indicates that the variant is pathogenic, but additional data are needed to prove that conclusively. Therefore, this variant has been classified as Likely Pathogenic.

Literature cited by the submitters: PubMed 16199547; PubMed 12368912; PubMed 16606917.

NM_001365088.1(SLC12A6):c.2803-2A>C

Gene: SLC12A6 (solute carrier family 12 member 6; minus strand). Cytogenetic location: 15q14.
Variant type: single nucleotide variant.
Coding change: c.2803-2A>C on transcript NM_001365088.1 (MANE Select); the canonical splice acceptor site of the intron before coding-DNA position 2803, A replaced by C.
Molecular consequence: splice acceptor variant.
Genome position (GRCh38, 1-based): chr15:34,237,552, T>G on the plus strand (A>C on the coding strand, the complement: SLC12A6 is on the minus strand). VCF-style: chr15-34237552-T-G. GRCh37 (hg19) VCF-style: chr15-34529753-T-G.
Other names: c.2626-2A>C (NM_001042495.2, NM_001042494.2); c.2776-2A>C (NM_001042496.2); c.2758-2A>C (NM_001042497.2); c.2803-2A>C (NM_133647.2); c.2650-2A>C (NM_005135.2).
Identifiers: ClinVar variation 2757082 (VCV002757082.3), dbSNP rs2509750271, ClinGen allele CA391618689.
Genomic context (GRCh38, chr15:34,237,552, plus strand): 5'-ATACTGTTGTCTTCTAATTGGGCTACTGTGAAGATCCGTATGCTGCACTTTCGCCACACC[T>G]GAGAGAGTGACATACACATGTGAAAAATTAGAGCAAGGAGGCAAAAAAGGTTATTTCCTA-3'